The following is an entry in ClinVar:

ClinVar aggregate classification (germline): Uncertain significance (1 of 4 stars; one submission).

Conditions:
Progressive myoclonic epilepsy type 5. Identifiers: Orphanet 402082, MedGen C5190799.

Allele frequency attached by ClinVar (database versions not stated): gnomAD exomes below 0.00001.
gnomAD v4.1: 1 of 1,614,248 alleles (0.000062%); highest among the groups gnomAD compares: African/African-American, 0.0013%; no homozygotes.

Submission:

Labcorp Genetics (formerly Invitae), Labcorp
Classification: Uncertain significance for Progressive myoclonic epilepsy type 5. Last evaluated: 2023-01-21. Review status: criteria provided, single submitter. Criteria: Invitae Variant Classification Sherloc (09022015). Collection method: clinical testing. Allele origin: germline.
Comment: This sequence change replaces leucine, which is neutral and non-polar, with arginine, which is basic and polar, at codon 809 of the PRICKLE2 protein (p.Leu809Arg). This variant is not present in population databases (gnomAD no frequency). This variant has not been reported in the literature in individuals affected with PRICKLE2-related conditions. ClinVar contains an entry for this variant (Variation ID: 1390162). Advanced modeling of protein sequence and biophysical properties (such as structural, functional, and spatial information, amino acid conservation, physicochemical variation, residue mobility, and thermodynamic stability) performed at Invitae indicates that this missense variant is not expected to disrupt PRICKLE2 protein function. In summary, the available evidence is currently insufficient to determine the role of this variant in disease. Therefore, it has been classified as a Variant of Uncertain Significance.

NM_198859.4(PRICKLE2):c.2426T>G (p.Leu809Arg)

Genes: PRICKLE2 (prickle planar cell polarity protein 2; minus strand), PRICKLE2-AS1 (PRICKLE2 antisense RNA 1; plus strand). Cytogenetic location: 3p14.1.
Variant type: single nucleotide variant.
Coding change: c.2426T>G on transcript NM_198859.4 (MANE Select); coding-DNA position 2426, T replaced by G.
Protein change: p.Leu809Arg; replaces leucine 809 with arginine.
Molecular consequence: missense variant. On other transcripts: non-coding transcript variant (1).
Genome position (GRCh38, 1-based): chr3:64,099,160, A>C on the plus strand (T>G on the coding strand, the complement: PRICKLE2 is on the minus strand). VCF-style: chr3-64099160-A-C. GRCh37 (hg19) VCF-style: chr3-64084836-A-C.
Other names: c.2426T>G, p.Leu809Arg (NM_001370528.1); short protein forms L809R.
Identifiers: ClinVar variation 1390162 (VCV001390162.8), dbSNP rs2106934819, ClinGen allele CA353425709.